The following is an entry in ClinVar:

ClinVar aggregate classification (germline): Uncertain significance (1 of 4 stars; one submission).

Conditions:
Episodic kinesigenic dyskinesia (EKD). Also called: Paroxysmal kinesigenic dyskinesia. Identifiers: Orphanet 98809, MedGen C1868682, MONDO:0044202.

Submission:

Labcorp Genetics (formerly Invitae), Labcorp
Classification: Uncertain significance for Episodic kinesigenic dyskinesia. Last evaluated: 2024-07-23. Review status: criteria provided, single submitter. Criteria: Invitae Variant Classification Sherloc (09022015). Collection method: clinical testing. Allele origin: germline.
Comment: This sequence change replaces aspartic acid, which is acidic and polar, with histidine, which is basic and polar, at codon 121 of the PRRT2 protein (p.Asp121His). This variant is not present in population databases (gnomAD no frequency). This variant has not been reported in the literature in individuals affected with PRRT2-related conditions. Advanced modeling of protein sequence and biophysical properties (such as structural, functional, and spatial information, amino acid conservation, physicochemical variation, residue mobility, and thermodynamic stability) performed at Invitae indicates that this missense variant is not expected to disrupt PRRT2 protein function with a negative predictive value of 95%. In summary, the available evidence is currently insufficient to determine the role of this variant in disease. Therefore, it has been classified as a Variant of Uncertain Significance.

NM_145239.3(PRRT2):c.361G>C (p.Asp121His)

Genes: MVP-DT (MVP divergent transcript; minus strand), PRRT2 (proline rich transmembrane protein 2; plus strand). Cytogenetic location: 16p11.2.
Variant type: single nucleotide variant.
Coding change: c.361G>C on transcript NM_145239.3 (MANE Select); coding-DNA position 361, G replaced by C.
Protein change: p.Asp121His; replaces aspartic acid 121 with histidine.
Molecular consequence: missense variant.
Genome position (GRCh38, 1-based): chr16:29,813,415, G>C. VCF-style: chr16-29813415-G-C. GRCh37 (hg19) VCF-style: chr16-29824736-G-C.
Other names: c.361G>C, p.Asp121His (NM_001256442.2, NM_001256443.2); short protein forms D121H.
Identifiers: ClinVar variation 3705073 (VCV003705073.2).
Genomic context (GRCh38, chr16:29,813,415, plus strand): 5'-CCCGAAGACCCATGCCAAGAAACAGTGTCCAAACCAGAAGTGAGCAAAGAGGCCACTGCA[G>C]ACCAGGGGTCCAGGCTGGAGTCTGCAGCCCCACCTGAACCAGCCCCAGAGCCTGCTCCCC-3'
Protein context (NP_660282.2, residues 111-131): KPEVSKEATA[Asp121His]QGSRLESAAP